The following is an entry in ClinVar:

NM_024312.5(GNPTAB):c.1826C>A (p.Thr609Asn)

Gene: GNPTAB (N-acetylglucosamine-1-phosphate transferase subunits alpha and beta; minus strand). Cytogenetic location: 12q23.2.
Variant type: single nucleotide variant.
Coding change: c.1826C>A on transcript NM_024312.5 (MANE Select); coding-DNA position 1826, C replaced by A.
Protein change: p.Thr609Asn; replaces threonine 609 with asparagine.
Molecular consequence: missense variant.
Genome position (GRCh38, 1-based): chr12:101,765,091, G>T on the plus strand (C>A on the coding strand, the complement: GNPTAB is on the minus strand). VCF-style: chr12-101765091-G-T. GRCh37 (hg19) VCF-style: chr12-102158869-G-T.
Other names: short protein forms T609N.
Identifiers: ClinVar variation 881639 (VCV000881639.14), dbSNP rs138811990, ClinGen allele CA6746522.
Genomic context (GRCh38, chr12:101,765,091, plus strand): 5'-ATCTGCATTTTGAACTCTTCATCGTTTGTATTTTGAAACGTGAGATTAAAATGTATTGTG[G>T]TGGCATTCATTCCACTGTGCATTATGAGGTGGATGGTTTTCCACTTGTTGGCAATAGAAG-3'
Protein context (NP_077288.2, residues 599-619): HLIMHSGMNA[Thr609Asn]TIHFNLTFQN

ClinVar aggregate classification (germline): Conflicting classifications of pathogenicity. Review status: criteria provided, conflicting classifications (1 of 4 stars). 5 submissions from 4 submitters: Uncertain significance (2); Likely benign (1). 2 of the submissions do not count toward it. Last evaluated 2026-01-19.

Conditions:
Pseudo-Hurler polydystrophy. Also called: MUCOLIPIDOSIS IIIA; ML III; ML III ALPHA/BETA; Type III Mucolipidosis; Mucolipidosis III Alpha/Beta; ML IIIA. Identifiers: Orphanet 423461, Orphanet 577, MedGen C0033788, MONDO:0018931, OMIM 252600.
Mucolipidosis type II. Also called: Mucolipidosis II Alpha/Beta; ML II ALPHA/BETA; Mucolipidosis 2; ML 2; Inclusion cell disease; Leroy Disease. Identifiers: Orphanet 576, MedGen C2673377, MONDO:0009650, OMIM 252500.
GNPTAB-Related Disorders. Also called: GNPTAB-related disorder; GNPTAB-related condition. Identifiers: MedGen CN381523.

Allele frequency attached by ClinVar (database versions not stated): TOPMed 0.00051; 1000 Genomes Project 0.00120; ExAC 0.00022; gnomAD 0.00054; ESP Exome Variant Server 0.00069; gnomAD exomes 0.00006 and 0.00016; 1000 Genomes Project 30x 0.00141.
gnomAD v4.1: 172 of 1,614,068 alleles (0.011%); highest among the groups gnomAD compares: African/African-American, 0.2%; no homozygotes.

Submissions (5):

Labcorp Genetics (formerly Invitae), Labcorp
Classification: Likely benign for Pseudo-Hurler polydystrophy; Mucolipidosis type II. Last evaluated: 2026-01-19. Review status: criteria provided, single submitter. Criteria: Invitae Variant Classification Sherloc (09022015). Collection method: clinical testing. Allele origin: germline.

Illumina Laboratory Services, Illumina
Classification: Uncertain significance for Pseudo-Hurler polydystrophy. Last evaluated: 2018-01-13. Review status: criteria provided, single submitter. Criteria: ICSL Variant Classification Criteria 13 December 2019. Collection method: clinical testing. Allele origin: germline.

Illumina Laboratory Services, Illumina
Classification: Uncertain significance for Mucolipidosis type II. Last evaluated: 2018-01-13. Review status: criteria provided, single submitter. Criteria: ICSL Variant Classification Criteria 13 December 2019. Collection method: clinical testing. Allele origin: germline.

PreventionGenetics, part of Exact Sciences
Classification: Likely benign for GNPTAB-related condition. Last evaluated: 2023-11-29. Review status: no assertion criteria provided. Collection method: clinical testing. Allele origin: germline. Not counted in ClinVar's aggregate classification.
Comment: This variant is classified as likely benign based on ACMG/AMP sequence variant interpretation guidelines (Richards et al. 2015 PMID: 25741868, with internal and published modifications).

Natera, Inc.
Classification: Uncertain significance for Mucolipidosis type II. Last evaluated: 2020-04-17. Review status: no assertion criteria provided. Collection method: clinical testing. Allele origin: germline. Not counted in ClinVar's aggregate classification.